The following is an entry in ClinVar:

ClinVar aggregate classification (germline): Likely benign. Review status: criteria provided, multiple submitters, no conflicts (2 of 4 stars). 2 submissions from 2 submitters: Likely benign (2). Last evaluated 2025-02-28.

Conditions:
MYO5B-related disorder. Also called: MYO5B-related condition.

Allele frequency attached by ClinVar (database versions not stated): TOPMed below 0.00001.

Submissions (2):

PreventionGenetics, part of Exact Sciences
Classification: Likely benign for MYO5B-related condition. Last evaluated: 2025-02-28. Review status: criteria provided, single submitter. Criteria: ACMG Guidelines, 2015. Collection method: clinical testing. Allele origin: germline.
Comment: This variant is classified as likely benign based on ACMG/AMP sequence variant interpretation guidelines (Richards et al. 2015 PMID: 25741868, with internal and published modifications).

Labcorp Genetics (formerly Invitae), Labcorp
Classification: Likely benign. Last evaluated: 2024-12-02. Review status: criteria provided, single submitter. Criteria: Invitae Variant Classification Sherloc (09022015). Collection method: clinical testing. Allele origin: germline.

NM_001080467.3(MYO5B):c.1669-10G>A

Gene: MYO5B (myosin VB; minus strand). Cytogenetic location: 18q21.1.
Variant type: single nucleotide variant.
Coding change: c.1669-10G>A on transcript NM_001080467.3 (MANE Select); 10 bases into the intron before coding-DNA position 1669, G replaced by A.
Molecular consequence: intron variant.
Genome position (GRCh38, 1-based): chr18:49,953,353, C>T on the plus strand (G>A on the coding strand, the complement: MYO5B is on the minus strand). VCF-style: chr18-49953353-C-T. GRCh37 (hg19) VCF-style: chr18-47479723-C-T.
Other names: c.1669-10G>A (NM_001080467.2).
Identifiers: ClinVar variation 1634109 (VCV001634109.9), dbSNP rs2025450080, ClinGen allele CA2302466907.